The following is an entry in ClinVar:

NM_016343.4(CENPF):c.9069C>G (p.Ser3023=)

Gene: CENPF (centromere protein F; plus strand). Cytogenetic location: 1q41.
Variant type: single nucleotide variant.
Coding change: c.9069C>G on transcript NM_016343.4 (MANE Select); coding-DNA position 9069, C replaced by G.
Protein change: p.Ser3023=; no amino-acid change (serine 3023 retained).
Molecular consequence: synonymous variant.
Genome position (GRCh38, 1-based): chr1:214,658,956, C>G. VCF-style: chr1-214658956-C-G. GRCh37 (hg19) VCF-style: chr1-214832299-C-G.
Identifiers: ClinVar variation 4999046 (VCV004999046.1).

ClinVar aggregate classification (germline): Likely benign (1 of 4 stars; one submission).

Conditions:
CENPF-related disorder. Also called: CENPF-related condition.

gnomAD v4.1: 4 of 1,614,030 alleles (0.00025%); highest among the groups gnomAD compares: Non-Finnish European, 0.00034%; no homozygotes.

Submission:

PreventionGenetics, part of Exact Sciences
Classification: Likely benign for CENPF-related condition. Last evaluated: 2024-10-08. Review status: criteria provided, single submitter. Criteria: ACMG Guidelines, 2015. Collection method: clinical testing. Allele origin: germline.
Comment: This variant is classified as likely benign based on ACMG/AMP sequence variant interpretation guidelines (Richards et al. 2015 PMID: 25741868, with internal and published modifications).